The following is an entry in ClinVar:

ClinVar aggregate classification (germline): Likely benign (1 of 4 stars; one submission).

gnomAD v4.1: 1 of 1,614,186 alleles (0.000062%); highest among the groups gnomAD compares: Non-Finnish European, 0.000085%; no homozygotes.

Submission:

CeGaT Center for Human Genetics Tuebingen
Classification: Likely benign. Last evaluated: 2025-02-01. Review status: criteria provided, single submitter. Criteria: CeGaT Center For Human Genetics Tuebingen Variant Classification Criteria Version 2. Collection method: clinical testing. Allele origin: germline. Affected: yes. Observed: 1 variant allele.
Comment: LTBP1: BP4, BP7

NM_206943.4(LTBP1):c.3945T>C (p.Asp1315=)

Gene: LTBP1 (latent transforming growth factor beta binding protein 1; plus strand). Cytogenetic location: 2p22.3.
Variant type: single nucleotide variant.
Coding change: c.3945T>C on transcript NM_206943.4 (MANE Select); coding-DNA position 3945, T replaced by C.
Protein change: p.Asp1315=; no amino-acid change (aspartic acid 1315 retained).
Molecular consequence: synonymous variant. On other transcripts: intron variant (6).
Genome position (GRCh38, 1-based): chr2:33,347,455, T>C. VCF-style: chr2-33347455-T-C. GRCh37 (hg19) VCF-style: chr2-33572522-T-C.
Other names: c.2724T>C, p.Asp908= (NM_001394916.1); c.2715T>C, p.Asp905= (NM_001394917.1); c.2682T>C, p.Asp894= (NM_001394920.1, NM_001166266.2); c.2679T>C, p.Asp893= (NM_001394921.1); c.2562T>C, p.Asp854= (NM_001394923.1); c.2556T>C, p.Asp852= (NM_001394924.1); c.2878+4492T>C (NM_001394912.1); c.2753-13142T>C (NM_001394918.1); and 14 more.
Identifiers: ClinVar variation 3771746 (VCV003771746.13).